The following is an entry in ClinVar:

NM_000095.3(COMP):c.1830C>T (p.Tyr610=)

Gene: COMP (cartilage oligomeric matrix protein; minus strand). Cytogenetic location: 19p13.11.
Variant type: single nucleotide variant.
Coding change: c.1830C>T on transcript NM_000095.3 (MANE Select); coding-DNA position 1830, C replaced by T.
Protein change: p.Tyr610=; no amino-acid change (tyrosine 610 retained).
Molecular consequence: synonymous variant.
Genome position (GRCh38, 1-based): chr19:18,784,980, G>A on the plus strand (C>T on the coding strand, the complement: COMP is on the minus strand). VCF-style: chr19-18784980-G-A. GRCh37 (hg19) VCF-style: chr19-18895790-G-A.
Identifiers: ClinVar variation 787137 (VCV000787137.9), dbSNP rs147854039, ClinGen allele CA9316262.

ClinVar aggregate classification (germline): Benign/Likely benign. Review status: criteria provided, multiple submitters, no conflicts (2 of 4 stars). 2 submissions from 2 submitters: Benign (1); Likely benign (1). Last evaluated 2025-01-27.

Conditions:
COMP-related disorder. Also called: COMP-related condition; COMP-related disorders.

Allele frequency attached by ClinVar (database versions not stated): gnomAD exomes 0.00004 and 0.00012; ExAC 0.00012; ESP Exome Variant Server 0.00031; gnomAD 0.00037; TOPMed 0.00042.
gnomAD v4.1: 125 of 1,614,098 alleles (0.0077%); highest among the groups gnomAD compares: African/African-American, 0.14%; 1 homozygote.

Submissions (2):

Labcorp Genetics (formerly Invitae), Labcorp
Classification: Benign. Last evaluated: 2025-01-27. Review status: criteria provided, single submitter. Criteria: Invitae Variant Classification Sherloc (09022015). Collection method: clinical testing. Allele origin: germline.

PreventionGenetics, part of Exact Sciences
Classification: Likely benign for COMP-related condition. Last evaluated: 2024-10-22. Review status: criteria provided, single submitter. Criteria: ACMG Guidelines, 2015. Collection method: clinical testing. Allele origin: germline.
Comment: This variant is classified as likely benign based on ACMG/AMP sequence variant interpretation guidelines (Richards et al. 2015 PMID: 25741868, with internal and published modifications).